The following is an entry in ClinVar:

NM_004304.5(ALK):c.3743+3G>A

Gene: ALK (ALK receptor tyrosine kinase; minus strand). Cytogenetic location: 2p23.2.
Variant type: single nucleotide variant.
Coding change: c.3743+3G>A on transcript NM_004304.5 (MANE Select); 3 bases into the intron after coding-DNA position 3743, G replaced by A.
Molecular consequence: intron variant.
Genome position (GRCh38, 1-based): chr2:29,213,981, C>T on the plus strand (G>A on the coding strand, the complement: ALK is on the minus strand). VCF-style: chr2-29213981-C-T. GRCh37 (hg19) VCF-style: chr2-29436847-C-T.
Other names: c.539+3G>A (NM_001353765.2).
Identifiers: ClinVar variation 965854 (VCV000965854.11), dbSNP rs1669532102, ClinGen allele CA1139656835.
Genomic context (GRCh38, chr2:29,213,981, plus strand): 5'-TCTGCGGGGAAGCACACAGATCAGCGACAGGATGACAGGAAGAGCACAGTCACTTTGACT[C>T]ACCGGTGGATGAAGTGGTTTTCCTCCAAATACTGACAGCCACAGGCAATGTCCCGAGCCA-3'

ClinVar aggregate classification (germline): Uncertain significance. Review status: criteria provided, multiple submitters, no conflicts (2 of 4 stars). 2 submissions from 2 submitters: Uncertain significance (2). Last evaluated 2025-02-25.

Conditions:
Hereditary cancer-predisposing syndrome. Also called: Hereditary neoplastic syndrome; Hereditary Cancer Syndrome; Tumor predisposition; Neoplastic Syndromes, Hereditary. Identifiers: Orphanet 140162, MedGen C0027672, MeSH D009386, MONDO:0015356.
Neuroblastoma, susceptibility to, 3. Also called: ALK-Related Neuroblastic Tumor Susceptibility. Identifiers: Orphanet 635, MedGen C2751681, MONDO:0013083, OMIM 613014.

Allele frequency attached by ClinVar (database versions not stated): gnomAD exomes below 0.00001; TOPMed below 0.00001.
gnomAD v4.1: 3 of 1,613,036 alleles (0.00019%); highest among the groups gnomAD compares: Non-Finnish European, 0.00025%; no homozygotes.

Submissions (2):

Labcorp Genetics (formerly Invitae), Labcorp
Classification: Uncertain significance for Neuroblastoma, susceptibility to, 3. Last evaluated: 2025-02-25. Review status: criteria provided, single submitter. Criteria: Invitae Variant Classification Sherloc (09022015). Collection method: clinical testing. Allele origin: germline.
Comment: This sequence change falls in intron 24 of the ALK gene. It does not directly change the encoded amino acid sequence of the ALK protein. It affects a nucleotide within the consensus splice site. This variant is not present in population databases (gnomAD no frequency). This variant has not been reported in the literature in individuals affected with ALK-related conditions. ClinVar contains an entry for this variant (Variation ID: 965854). Variants that disrupt the consensus splice site are a relatively common cause of aberrant splicing (PMID: 17576681, 9536098). Algorithms developed to predict the effect of sequence changes on RNA splicing suggest that this variant is not likely to affect RNA splicing. In summary, the available evidence is currently insufficient to determine the role of this variant in disease. Therefore, it has been classified as a Variant of Uncertain Significance.

Ambry Genetics
Classification: Uncertain significance for Hereditary cancer-predisposing syndrome. Last evaluated: 2023-01-12. Review status: criteria provided, single submitter. Criteria: Ambry Variant Classification Scheme 2023. Collection method: clinical testing. Allele origin: germline.
Comment: The c.3743+3G>A intronic variant results from a G to A substitution 3 nucleotides after coding exon 24 in the ALK gene. This nucleotide position is not well conserved in available vertebrate species. In silico splice site analysis predicts that this alteration will not have any significant effect on splicing. Since supporting evidence is limited at this time, the clinical significance of this alteration remains unclear.

Literature cited by the submitters: PubMed 17576681 (cited by Labcorp Genetics (formerly Invitae), Labcorp); PubMed 9536098 (cited by Labcorp Genetics (formerly Invitae), Labcorp).